The following is an entry in ClinVar:

NM_001267550.2(TTN):c.8884del (p.Ala2962fs)

Gene: TTN (titin; minus strand). Cytogenetic location: 2q31.2.
Variant type: Deletion.
Coding change: c.8884del on transcript NM_001267550.2 (MANE Select); coding-DNA position 8884, one base deleted (G; older notation c.8884delG).
Protein change: p.Ala2962fs; shifts the reading frame from alanine 2962.
Molecular consequence: frameshift variant.
Genome position (GRCh38, 1-based): chr2:178,769,697, C deleted on the plus strand (G on the coding strand, the reverse complement: TTN is on the minus strand). VCF-style (leftmost placement, unchanged base first): chr2-178769696-GC-G. GRCh37 (hg19) VCF-style: chr2-179634423-GC-G.
Other names: c.8884del, p.Ala2962fs (NM_001256850.1, NM_133378.4, NM_133379.5); c.8746del, p.Ala2916fs (NM_003319.4, NM_133432.3, NM_133437.4); c.8884delG (NM_133378.4); short protein forms A2916fs, A2962fs.
Identifiers: ClinVar variation 202504 (VCV000202504.4), dbSNP rs794729372, ClinGen allele CA309472.

ClinVar aggregate classification (germline): Conflicting classifications of pathogenicity. Review status: criteria provided, conflicting classifications (1 of 4 stars). 2 submissions from 2 submitters: Likely pathogenic (1); Uncertain significance (1). Last evaluated 2025-12-14.

Conditions:
Dilated cardiomyopathy 1G (CMD1G). Identifiers: Orphanet 154, MedGen C1858763, MONDO:0011400, OMIM 604145.
Autosomal recessive limb-girdle muscular dystrophy type 2J (LGMDR10). Also called: MUSCULAR DYSTROPHY, LIMB-GIRDLE, AUTOSOMAL RECESSIVE 10; Limb-girdle muscular dystrophy, type 2J. Identifiers: Orphanet 140922, MedGen C1837342, MONDO:0012127, OMIM 608807.

Submissions (2):

Labcorp Genetics (formerly Invitae), Labcorp
Classification: Likely pathogenic for Dilated cardiomyopathy 1G; Autosomal recessive limb-girdle muscular dystrophy type 2J. Last evaluated: 2025-12-14. Review status: criteria provided, single submitter. Criteria: Invitae Variant Classification Sherloc (09022015). Collection method: clinical testing. Allele origin: germline.
Comment: This sequence change creates a premature translational stop signal (p.Ala2962Profs*3) in the TTN gene. While this is not anticipated to result in nonsense mediated decay, it is expected to create a truncated TTN protein. This variant is not present in population databases (gnomAD no frequency). This variant has not been observed in the literature in individuals with autosomal recessive TTN-related conditions. This variant has been reported in individual(s) with clinical features of autosomal dominant dilated cardiomyopathy (internal data); however, the role of the variant in this condition is currently unclear. ClinVar contains an entry for this variant (Variation ID: 202504). This variant is located in the I band of TTN (PMID: 25589632). Truncating variants in this region have been reported in individuals affected with autosomal recessive centronuclear myopathy (PMID: 23975875, internal data). Truncating variants in this region have also been identified in individuals affected with autosomal dominant dilated cardiomyopathy and/or cardio-related conditions (PMID: 27869827, 32964742, internal data). In summary, the currently available evidence indicates that the variant is pathogenic, but additional data are needed to prove that conclusively. Therefore, this variant has been classified as Likely Pathogenic.

GeneDx
Classification: Uncertain significance. Last evaluated: 2013-06-14. Review status: criteria provided, single submitter. Criteria: GeneDx Variant Classification (06012015). Collection method: clinical testing. Allele origin: germline. Affected: yes.
Comment: p.Ala2962ProfsX3: c.8884delG in exon 37 of the TTN gene (NM_133378.4). The c.8884delG variant in the TTN gene has not been reported as a disease-causing mutation or as a benign polymorphism to our knowledge. The variant is predicted to cause loss of normal protein function either due to production of an abnormal, prematurely truncated protein, or by absence of protein product due to nonsense mediated mRNA decay. The c.8884delG variant is located in the I-band region of the titin protein. Although other frameshift mutations in the TTN gene have been published in association with DCM, there are none reported near c.8884delG (Herman D et al., 2012). With the clinical and molecular information available at this time, we cannot definitively determine if c.8884delG is a disease-causing mutation or a rare benign variant. The variant is found in DCM panel(s).

Literature cited by the submitters: PubMed 25589632 (cited by Labcorp Genetics (formerly Invitae), Labcorp); PubMed 23975875 (cited by Labcorp Genetics (formerly Invitae), Labcorp); PubMed 27869827 (cited by Labcorp Genetics (formerly Invitae), Labcorp); PubMed 32964742 (cited by Labcorp Genetics (formerly Invitae), Labcorp).